The following is an entry in ClinVar:

ClinVar aggregate classification (germline): Uncertain significance (0 of 4 stars; one submission).

Conditions:
SEMA3B-related disorder. Also called: SEMA3B-related condition.

Submission:

PreventionGenetics, part of Exact Sciences
Classification: Uncertain significance for SEMA3B-related condition. Last evaluated: 2024-08-19. Review status: no assertion criteria provided. Collection method: clinical testing. Allele origin: germline.
Comment: The SEMA3B c.1239G>A variant is predicted to result in the amino acid substitution p.Met413Ile. To our knowledge, this variant has not been reported in the literature. This variant is reported in 0.0022% of alleles in individuals of European (Non-Finnish) descent in gnomAD. At this time, the clinical significance of this variant is uncertain due to the absence of conclusive functional and genetic evidence.

NM_001290060.2(SEMA3B):c.1224G>A (p.Met408Ile)

Gene: SEMA3B (semaphorin 3B; plus strand). Cytogenetic location: 3p21.31.
Variant type: single nucleotide variant.
Coding change: c.1224G>A on transcript NM_001290060.2 (MANE Select); coding-DNA position 1224, G replaced by A.
Protein change: p.Met408Ile; replaces methionine 408 with isoleucine.
Molecular consequence: missense variant. On other transcripts: non-coding transcript variant (1).
Genome position (GRCh38, 1-based): chr3:50,274,449, G>A. VCF-style: chr3-50274449-G-A. GRCh37 (hg19) VCF-style: chr3-50311880-G-A.
Other names: c.1221G>A, p.Met407Ile (NM_001005914.3); c.1239G>A, p.Met413Ile (NM_001290061.1); c.195G>A, p.Met65Ile (NM_001290062.2, NM_001290063.2); c.1224G>A, p.Met408Ile (NM_004636.4); short protein forms M407I, M408I, M413I, M65I.
Identifiers: ClinVar variation 3358476 (VCV003358476.1).